The following is an entry in ClinVar:

NM_138576.4(BCL11B):c.1731G>C (p.Pro577=)

Gene: BCL11B (BCL11 transcription factor B; minus strand). Cytogenetic location: 14q32.2.
Variant type: single nucleotide variant.
Coding change: c.1731G>C on transcript NM_138576.4 (MANE Select); coding-DNA position 1731, G replaced by C.
Protein change: p.Pro577=; no amino-acid change (proline 577 retained).
Molecular consequence: synonymous variant.
Genome position (GRCh38, 1-based): chr14:99,175,105, C>G on the plus strand (G>C on the coding strand, the complement: BCL11B is on the minus strand). VCF-style: chr14-99175105-C-G. GRCh37 (hg19) VCF-style: chr14-99641442-C-G.
Other names: c.1728G>C, p.Pro576= (NM_001282237.2); c.1515G>C, p.Pro505= (NM_001282238.2); c.1518G>C, p.Pro506= (NM_022898.3).
Identifiers: ClinVar variation 4698970 (VCV004698970.2).
Genomic context (GRCh38, chr14:99,175,105, plus strand): 5'-CTTGCCCAGCACCAGCGCCTTCTCGTCAGCCAGCGCCTTGGCCGCGCCGCCCCCCGCGCC[C>G]GGGACCCCGGGCACCCCACCACCGCCGTTCTCGCGGTTGCGGCTCAGCTCCGAGTCCATG-3'
Protein context (NP_612808.1, residues 567-587): ENGGGGVPGV[Pro577=]GAGGGAAKAL

ClinVar aggregate classification (germline): Likely benign. Review status: criteria provided, multiple submitters, no conflicts (2 of 4 stars). 2 submissions from 2 submitters: Likely benign (2). Last evaluated 2026-05-13.

Submissions (2):

Women's Health and Genetics/Laboratory Corporation of America, LabCorp
Classification: Likely benign. Last evaluated: 2026-05-13. Review status: criteria provided, single submitter. Criteria: LabCorp Variant Classification Summary - May 2015. Collection method: clinical testing. Allele origin: germline.
Comment: Variant summary: BCL11B c.1731G>C results in a synonymous change. Consensus agreement among computation tools predict no significant impact on normal splicing. However, these predictions have yet to be confirmed by functional studies. The variant allele was found at a frequency of 4.7e-06 in 214882 control chromosomes. The available data on variant occurrences in the general population are insufficient to allow any conclusion about variant significance. To our knowledge, no occurrence of c.1731G>C in individuals affected with BCL11B-related conditions and no experimental evidence demonstrating its impact on protein function have been reported. ClinVar contains an entry for this variant (Variation ID: 4698970). Based on the evidence outlined above, the variant was classified as likely benign.

Labcorp Genetics (formerly Invitae), Labcorp
Classification: Likely benign. Last evaluated: 2025-06-02. Review status: criteria provided, single submitter. Criteria: Invitae Variant Classification Sherloc (09022015). Collection method: clinical testing. Allele origin: germline.